The following is an entry in ClinVar:

ClinVar aggregate classification (germline): Benign/Likely benign. Review status: criteria provided, multiple submitters, no conflicts (2 of 4 stars). 6 submissions from 6 submitters: Benign (1); Likely benign (5). Last evaluated 2026-01-04.

Conditions:
AXIN2-related disorder.
Hereditary cancer-predisposing syndrome. Also called: Neoplastic Syndromes, Hereditary; Tumor predisposition; Hereditary Cancer Syndrome; Hereditary neoplastic syndrome. Identifiers: Orphanet 140162, MedGen C0027672, MeSH D009386, MONDO:0015356.
Oligodontia-cancer predisposition syndrome. Also called: TOOTH AGENESIS-COLORECTAL CANCER SYNDROME. Identifiers: Orphanet 300576, MedGen C1837750, MONDO:0012075, OMIM 608615. Disease mechanism: loss of function.

Allele frequency attached by ClinVar (database versions not stated): ExAC 0.00001; gnomAD 0.00002; gnomAD exomes 0.00002; TOPMed 0.00002.
gnomAD v4.1: 23 of 1,614,022 alleles (0.0014%); highest among the groups gnomAD compares: Admixed American, 0.013%; no homozygotes.

Submissions (6):

Labcorp Genetics (formerly Invitae), Labcorp
Classification: Likely benign for Oligodontia-cancer predisposition syndrome. Last evaluated: 2026-01-04. Review status: criteria provided, single submitter. Criteria: Invitae Variant Classification Sherloc (09022015). Collection method: clinical testing. Allele origin: germline.

PreventionGenetics, part of Exact Sciences
Classification: Likely benign for AXIN2-related condition. Last evaluated: 2025-11-20. Review status: criteria provided, single submitter. Criteria: ACMG Guidelines, 2015. Collection method: clinical testing. Allele origin: germline.
Comment: This variant is classified as likely benign based on ACMG/AMP sequence variant interpretation guidelines (Richards et al. 2015 PMID: 25741868, with internal and published modifications).

Blueprint Genetics
Classification: Likely benign. Last evaluated: 2024-11-12. Review status: criteria provided, single submitter. Criteria: ACMG Guidelines, 2015. Collection method: clinical testing. Allele origin: germline.

Myriad Genetics, Inc.
Classification: Benign for Oligodontia-cancer predisposition syndrome. Last evaluated: 2024-06-27. Review status: criteria provided, single submitter. Criteria: Myriad Autosomal Dominant, Autosomal Recessive and X-Linked Classification Criteria (2023). Collection method: clinical testing. Allele origin: unknown.
Comment: This variant is considered benign. This variant is a silent/synonymous amino acid change and it is not expected to impact splicing.

Ambry Genetics
Classification: Likely benign for Hereditary cancer-predisposing syndrome. Last evaluated: 2020-08-18. Review status: criteria provided, single submitter. Criteria: Ambry Variant Classification Scheme 2023. Collection method: clinical testing. Allele origin: germline.

Women's Health and Genetics/Laboratory Corporation of America, LabCorp
Classification: Likely benign. Last evaluated: 2020-07-30. Review status: criteria provided, single submitter. Criteria: LabCorp Variant Classification Summary - May 2015. Collection method: clinical testing. Allele origin: germline.

NM_004655.4(AXIN2):c.711C>T (p.Ala237=)

Gene: AXIN2 (axin 2; minus strand). Cytogenetic location: 17q24.1.
Variant type: single nucleotide variant.
Coding change: c.711C>T on transcript NM_004655.4 (MANE Select); coding-DNA position 711, C replaced by T.
Protein change: p.Ala237=; no amino-acid change (alanine 237 retained).
Molecular consequence: synonymous variant.
Genome position (GRCh38, 1-based): chr17:65,557,910, G>A on the plus strand (C>T on the coding strand, the complement: AXIN2 is on the minus strand). VCF-style: chr17-65557910-G-A. GRCh37 (hg19) VCF-style: chr17-63554028-G-A.
Other names: c.711C>T, p.Ala237= (NM_001363813.1).
Identifiers: ClinVar variation 700305 (VCV000700305.17), dbSNP rs768230770, ClinGen allele CA8719006.
Genomic context (GRCh38, chr17:65,557,910, plus strand): 5'-GGCCCTCAGAGTTTTGCTGGACAAGCCAACCACGGTTGGCGAAAGTTTGCACTTGAAGTC[G>A]GCACAAGTCCACTCCTCTTCTTCATTCAAGGTGGGGAGATAGCCACACACGACCTTTAGG-3'
Protein context (NP_004646.3, residues 227-247): TLNEEEEWTC[Ala237=]DFKCKLSPTV